The following is an entry in ClinVar:

NM_001001331.4(ATP2B2):c.18C>G (p.Asn6Lys)

Gene: ATP2B2 (ATPase plasma membrane Ca2+ transporting 2; minus strand). Cytogenetic location: 3p25.3.
Variant type: single nucleotide variant.
Coding change: c.18C>G on transcript NM_001001331.4 (MANE Select); coding-DNA position 18, C replaced by G.
Protein change: p.Asn6Lys; replaces asparagine 6 with lysine.
Molecular consequence: missense variant.
Genome position (GRCh38, 1-based): chr3:10,449,526, G>C on the plus strand (C>G on the coding strand, the complement: ATP2B2 is on the minus strand). VCF-style: chr3-10449526-G-C. GRCh37 (hg19) VCF-style: chr3-10491210-G-C.
Other names: c.18C>G, p.Asn6Lys (NM_001330611.3, NM_001353564.1, NM_001363862.1 and 1 more transcripts); short protein forms N6K.
Identifiers: ClinVar variation 2653526 (VCV002653526.24), dbSNP rs773766088, ClinGen allele CA351783003.

ClinVar aggregate classification (germline): Uncertain significance (1 of 4 stars; one submission).

Submission:

CeGaT Center for Human Genetics Tuebingen
Classification: Uncertain significance. Last evaluated: 2023-04-01. Review status: criteria provided, single submitter. Criteria: CeGaT Center For Human Genetics Tuebingen Variant Classification Criteria Version 2. Collection method: clinical testing. Allele origin: germline. Affected: yes. Observed: 1 variant allele.
Comment: ATP2B2: PM2, PP2, PP3